The following is an entry in ClinVar:

ClinVar aggregate classification (germline): Uncertain significance (0 of 4 stars; one submission).

Conditions:
SMARCA2-related disorder. Also called: SMARCA2-related condition.

Submission:

PreventionGenetics, part of Exact Sciences
Classification: Uncertain significance for SMARCA2-related condition. Last evaluated: 2024-02-24. Review status: no assertion criteria provided. Collection method: clinical testing. Allele origin: germline.
Comment: The SMARCA2 c.1123A>G variant is predicted to result in the amino acid substitution p.Lys375Glu. To our knowledge, this variant has not been reported in the literature or in a large population database, indicating this variant is rare. At this time, the clinical significance of this variant is uncertain due to the absence of conclusive functional and genetic evidence.

NM_003070.5(SMARCA2):c.1123A>G (p.Lys375Glu)

Gene: SMARCA2 (SWI/SNF related BAF chromatin remodeling complex subunit ATPase 2; plus strand). Cytogenetic location: 9p24.3.
Variant type: single nucleotide variant.
Coding change: c.1123A>G on transcript NM_003070.5 (MANE Select); coding-DNA position 1123, A replaced by G.
Protein change: p.Lys375Glu; replaces lysine 375 with glutamic acid.
Molecular consequence: missense variant.
Genome position (GRCh38, 1-based): chr9:2,054,673, A>G. VCF-style: chr9-2054673-A-G. GRCh37 (hg19) VCF-style: chr9-2054673-A-G.
Other names: c.1123A>G, p.Lys375Glu (NM_001289396.2, NM_001289397.2, NM_139045.4); short protein forms K375E.
Identifiers: ClinVar variation 3061082 (VCV003061082.2), dbSNP rs2537261617, ClinGen allele CA372781409.